The following is an entry in ClinVar:

NM_001376.5(DYNC1H1):c.4231C>T (p.Arg1411Cys)

Gene: DYNC1H1 (dynein cytoplasmic 1 heavy chain 1; plus strand). Cytogenetic location: 14q32.31.
Variant type: single nucleotide variant.
Coding change: c.4231C>T on transcript NM_001376.5 (MANE Select); coding-DNA position 4231, C replaced by T.
Protein change: p.Arg1411Cys; replaces arginine 1411 with cysteine.
Molecular consequence: missense variant.
Genome position (GRCh38, 1-based): chr14:102,001,190, C>T. VCF-style: chr14-102001190-C-T. GRCh37 (hg19) VCF-style: chr14-102467527-C-T.
Other names: short protein forms R1411C.
Identifiers: ClinVar variation 588621 (VCV000588621.10), dbSNP rs1567006266, ClinGen allele CA391040156.

ClinVar aggregate classification (germline): Conflicting classifications of pathogenicity. Review status: criteria provided, conflicting classifications (1 of 4 stars). 2 submissions from 2 submitters: Uncertain significance (1); Likely benign (1). Last evaluated 2024-07-15.

Conditions:
Charcot-Marie-Tooth disease axonal type 2O. Also called: Charcot-Marie-Tooth Neuropathy Type 2O; CHARCOT-MARIE-TOOTH NEUROPATHY, AXONAL, TYPE 2O; CHARCOT-MARIE-TOOTH DISEASE, AXONAL, AUTOSOMAL DOMINANT, TYPE 2O; Charcot-Marie-Tooth disease, axonal, type 20. Identifiers: Orphanet 284232, MedGen C3280220, MONDO:0013644, OMIM 614228.
Inborn genetic diseases. Identifiers: MedGen C0950123, MeSH D030342.

Allele frequency attached by ClinVar (database versions not stated): gnomAD exomes below 0.00001.
gnomAD v4.1: 1 of 1,614,140 alleles (0.000062%); highest among the groups gnomAD compares: Non-Finnish European, 0.000085%; no homozygotes.

Submissions (2):

Labcorp Genetics (formerly Invitae), Labcorp
Classification: Likely benign for Charcot-Marie-Tooth disease axonal type 2O. Last evaluated: 2024-07-15. Review status: criteria provided, single submitter. Criteria: Invitae Variant Classification Sherloc (09022015). Collection method: clinical testing. Allele origin: germline.

Ambry Genetics
Classification: Uncertain significance for Inborn genetic diseases. Last evaluated: 2016-12-15. Review status: criteria provided, single submitter. Criteria: Ambry Variant Classification Scheme 2023. Collection method: clinical testing. Allele origin: germline.
Comment: The p.R1411C variant (also known as c.4231C>T), located in coding exon 20 of the DYNC1H1 gene, results from a C to T substitution at nucleotide position 4231. The arginine at codon 1411 is replaced by cysteine, an amino acid with highly dissimilar properties. This amino acid position is highly conserved in available vertebrate species. In addition, this alteration is predicted to be deleterious by in silico analysis. Since supporting evidence is limited at this time, the clinical significance of this alteration remains unclear.